The following is an entry in ClinVar:

NM_138711.6(PPARG):c.64G>A (p.Val22Ile)

Gene: PPARG (peroxisome proliferator activated receptor gamma; plus strand). Cytogenetic location: 3p25.2.
Variant type: single nucleotide variant.
Coding change: c.64G>A on transcript NM_138711.6 (MANE Select); coding-DNA position 64, G replaced by A.
Protein change: p.Val22Ile; replaces valine 22 with isoleucine.
Molecular consequence: missense variant. On other transcripts: 5 prime UTR variant (1).
Genome position (GRCh38, 1-based): chr3:12,379,775, G>A. VCF-style: chr3-12379775-G-A. GRCh37 (hg19) VCF-style: chr3-12421274-G-A.
Other names: c.64G>A, p.Val22Ile (NM_001330615.4, NM_001354666.3, NM_001354667.3 and 6 more transcripts); c.154G>A, p.Val52Ile (NM_001354668.2, NM_001374265.1, NM_015869.5); c.-364G>A (NM_001354669.2); c.70G>A, p.Val24Ile (NM_001354670.2, NM_001374266.1); short protein forms V22I, V24I, V52I.
Identifiers: ClinVar variation 2634503 (VCV002634503.3), dbSNP rs149324518, ClinGen allele CA2258094.

ClinVar aggregate classification (germline): Likely benign. Review status: criteria provided, single submitter (1 of 4 stars). 2 submissions from 2 submitters: Likely benign (1). 1 of the submissions does not count toward it. Last evaluated 2025-09-01.

Conditions:
PPARG-related disorder. Also called: PPARG-related condition; PPARG-related disorders.

Allele frequency attached by ClinVar (database versions not stated): gnomAD exomes 0.00002; ExAC 0.00006; gnomAD 0.00010; ESP Exome Variant Server 0.00015; TOPMed 0.00015.
gnomAD v4.1: 48 of 1,613,886 alleles (0.003%); highest among the groups gnomAD compares: African/African-American, 0.04%; no homozygotes.

Submissions (2):

Labcorp Genetics (formerly Invitae), Labcorp
Classification: Likely benign. Last evaluated: 2025-09-01. Review status: criteria provided, single submitter. Criteria: Invitae Variant Classification Sherloc (09022015). Collection method: clinical testing. Allele origin: germline.

PreventionGenetics, part of Exact Sciences
Classification: Uncertain significance for PPARG-related condition. Last evaluated: 2024-09-16. Review status: no assertion criteria provided. Collection method: clinical testing. Allele origin: germline. Not counted in ClinVar's aggregate classification.
Comment: The PPARG c.154G>A variant is predicted to result in the amino acid substitution p.Val52Ile. This variant was reported in both control and affected individuals in a type 2 diabetes cohort (Majithia et al. 2014. PubMed ID: 25157153). Functional studies showed that this variant does not significantly alter the ability for adipocyte differentiation (Figure 2A, Majithia et al. 2014. PubMed ID: 25157153). This variant is reported in 0.040% of alleles in individuals of African descent in gnomAD. At this time, the clinical significance of this variant is uncertain due to the absence of conclusive functional and genetic evidence.